The following is an entry in ClinVar:

ClinVar aggregate classification (germline): Conflicting classifications of pathogenicity. Review status: criteria provided, conflicting classifications (1 of 4 stars). 4 submissions from 4 submitters: Uncertain significance (3); Likely benign (1). Last evaluated 2025-06-27.

Conditions:
Cone-rod dystrophy 5 (CORD5). Identifiers: Orphanet 1872, MedGen C1832976, MONDO:0010969, OMIM 600977.

Allele frequency attached by ClinVar (database versions not stated): ExAC 0.00002; gnomAD exomes 0.00003 and 0.00008; gnomAD 0.00005; TOPMed 0.00008.
gnomAD v4.1: 141 of 1,614,026 alleles (0.0087%); highest among the groups gnomAD compares: Non-Finnish European, 0.01%; no homozygotes.

Submissions (4):

Labcorp Genetics (formerly Invitae), Labcorp
Classification: Uncertain significance. Last evaluated: 2025-06-27. Review status: criteria provided, single submitter. Criteria: Invitae Variant Classification Sherloc (09022015). Collection method: clinical testing. Allele origin: germline.
Comment: This sequence change replaces arginine, which is basic and polar, with tryptophan, which is neutral and slightly polar, at codon 340 of the PITPNM3 protein (p.Arg340Trp). This variant is present in population databases (rs776506570, gnomAD 0.006%). This missense change has been observed in individual(s) with clinical features of retinal dystrophy (internal data). ClinVar contains an entry for this variant (Variation ID: 888971). Invitae Evidence Modeling of protein sequence and biophysical properties (such as structural, functional, and spatial information, amino acid conservation, physicochemical variation, residue mobility, and thermodynamic stability) has been performed for this missense variant. However, the output from this modeling did not meet the statistical confidence thresholds required to predict the impact of this variant on PITPNM3 protein function. In summary, the available evidence is currently insufficient to determine the role of this variant in disease. Therefore, it has been classified as a Variant of Uncertain Significance.

Ambry Genetics
Classification: Uncertain significance. Last evaluated: 2025-05-06. Review status: criteria provided, single submitter. Criteria: Ambry Variant Classification Scheme 2023. Collection method: clinical testing. Allele origin: germline.

Blueprint Genetics
Classification: Uncertain significance. Last evaluated: 2024-09-19. Review status: criteria provided, single submitter. Criteria: ACMG Guidelines, 2015. Collection method: clinical testing. Allele origin: germline.

Illumina Laboratory Services, Illumina
Classification: Likely benign for Cone-rod dystrophy 5. Last evaluated: 2018-01-13. Review status: criteria provided, single submitter. Criteria: ICSL Variant Classification Criteria 13 December 2019. Collection method: clinical testing. Allele origin: germline.
Comment: This variant was observed in the ICSL laboratory as part of a predisposition screen in an ostensibly healthy population. It had not been previously curated by ICSL or reported in the Human Gene Mutation Database (HGMD: prior to June 1st, 2018), and was therefore a candidate for classification through an automated scoring system. Utilizing variant allele frequency, disease prevalence and penetrance estimates, and inheritance mode, an automated score was calculated to assess if this variant is too frequent to cause the disease. Based on the score and internal cut-off values, a variant classified as likely benign is not then subjected to further curation. The score for this variant resulted in a classification of likely benign for this disease.

NM_031220.4(PITPNM3):c.1018C>T (p.Arg340Trp)

Gene: PITPNM3 (PITPNM family member 3; minus strand). Cytogenetic location: 17p13.2.
Variant type: single nucleotide variant.
Coding change: c.1018C>T on transcript NM_031220.4 (MANE Select); coding-DNA position 1018, C replaced by T.
Protein change: p.Arg340Trp; replaces arginine 340 with tryptophan.
Molecular consequence: missense variant.
Genome position (GRCh38, 1-based): chr17:6,477,096, G>A on the plus strand (C>T on the coding strand, the complement: PITPNM3 is on the minus strand). VCF-style: chr17-6477096-G-A. GRCh37 (hg19) VCF-style: chr17-6380416-G-A.
Other names: c.910C>T, p.Arg304Trp (NM_001165966.2); short protein forms R304W, R340W.
Identifiers: ClinVar variation 888971 (VCV000888971.15), dbSNP rs776506570, ClinGen allele CA8329646.